The following is an entry in ClinVar:

ClinVar aggregate classification (germline): Uncertain significance (1 of 4 stars; one submission).

Allele frequency attached by ClinVar (database versions not stated): gnomAD exomes 0.00001; TOPMed 0.00001; ExAC 0.00003.
gnomAD v4.1: 3 of 1,613,640 alleles (0.00019%); highest among the groups gnomAD compares: Non-Finnish European, 0.00025%; no homozygotes.

Submission:

Labcorp Genetics (formerly Invitae), Labcorp
Classification: Uncertain significance. Last evaluated: 2020-04-18. Review status: criteria provided, single submitter. Criteria: Invitae Variant Classification Sherloc (09022015). Collection method: clinical testing. Allele origin: germline.
Comment: Algorithms developed to predict the effect of missense changes on protein structure and function output the following: SIFT: "Tolerated"; PolyPhen-2: "Benign"; Align-GVGD: "Class C0". The threonine amino acid residue is found in multiple mammalian species, suggesting that this missense change does not adversely affect protein function. These predictions have not been confirmed by published functional studies and their clinical significance is uncertain. In summary, the available evidence is currently insufficient to determine the role of this variant in disease. Therefore, it has been classified as a Variant of Uncertain Significance. This variant has not been reported in the literature in individuals with CACNA2D4-related conditions. This variant is present in population databases (rs760431785, ExAC 0.005%). This sequence change replaces alanine with threonine at codon 390 of the CACNA2D4 protein (p.Ala390Thr). The alanine residue is moderately conserved and there is a small physicochemical difference between alanine and threonine.

NM_172364.5(CACNA2D4):c.1168G>A (p.Ala390Thr)

Gene: CACNA2D4 (calcium voltage-gated channel auxiliary subunit alpha2delta 4; minus strand). Cytogenetic location: 12p13.33.
Variant type: single nucleotide variant.
Coding change: c.1168G>A on transcript NM_172364.5 (MANE Select); coding-DNA position 1168, G replaced by A.
Protein change: p.Ala390Thr; replaces alanine 390 with threonine.
Molecular consequence: missense variant.
Genome position (GRCh38, 1-based): chr12:1,884,872, C>T on the plus strand (G>A on the coding strand, the complement: CACNA2D4 is on the minus strand). VCF-style: chr12-1884872-C-T. GRCh37 (hg19) VCF-style: chr12-1994038-C-T.
Other names: short protein forms A390T.
Identifiers: ClinVar variation 1001926 (VCV001001926.8), dbSNP rs760431785, ClinGen allele CA6387231.
Genomic context (GRCh38, chr12:1,884,872, plus strand): 5'-CCTCCACGGCGCCGTCGCTGATGAGCATGATGGCCTGGTTGCAGAGGCTTCCTTGCTTGG[C>T]CTCTTGGAACTGTGTAGGGAAGAGGAGTGCCCATGACCACAGGCCAAGCCCACCCCCCTC-3'
Protein context (NP_758952.4, residues 380-400): AFQILKQFQE[Ala390Thr]KQGSLCNQAI